The following is an entry in ClinVar:

NM_080473.5(GATA5):c.671G>A (p.Arg224Gln)

Gene: GATA5 (GATA binding protein 5; minus strand). Cytogenetic location: 20q13.33.
Variant type: single nucleotide variant.
Coding change: c.671G>A on transcript NM_080473.5 (MANE Select); coding-DNA position 671, G replaced by A.
Protein change: p.Arg224Gln; replaces arginine 224 with glutamine.
Molecular consequence: missense variant.
Genome position (GRCh38, 1-based): chr20:62,473,431, C>T on the plus strand (G>A on the coding strand, the complement: GATA5 is on the minus strand). VCF-style: chr20-62473431-C-T. GRCh37 (hg19) VCF-style: chr20-61048487-C-T.
Other names: short protein forms R224Q.
Identifiers: ClinVar variation 2201226 (VCV002201226.4), dbSNP rs374060174, ClinGen allele CA9946255.
Genomic context (GRCh38, chr20:62,473,431, plus strand): 5'-CCCAGGCGCCCCTCTGCCCAGCCCGAACTCACCAGGCGCTTCTGAGGCCGAACGAGCGGC[C>T]GGTTGACGCCATTCATCTTGTGGTAGAGGCCGCAGGCATTGCACAGGTAGTGGCCGGTGC-3'
Protein context (NP_536721.1, residues 214-234): GLYHKMNGVN[Arg224Gln]PLVRPQKRLS

ClinVar aggregate classification (germline): Uncertain significance (1 of 4 stars; one submission).

Allele frequency attached by ClinVar (database versions not stated): TOPMed below 0.00001; ExAC 0.00001; gnomAD 0.00001; ESP Exome Variant Server 0.00008.
gnomAD v4.1: 18 of 1,609,914 alleles (0.0011%); highest among the groups gnomAD compares: South Asian, 0.0022%; no homozygotes.

Submission:

Labcorp Genetics (formerly Invitae), Labcorp
Classification: Uncertain significance. Last evaluated: 2026-01-11. Review status: criteria provided, single submitter. Criteria: Invitae Variant Classification Sherloc (09022015). Collection method: clinical testing. Allele origin: germline.
Comment: This sequence change replaces arginine, which is basic and polar, with glutamine, which is neutral and polar, at codon 224 of the GATA5 protein (p.Arg224Gln). The frequency data for this variant in the population databases is considered unreliable, as metrics indicate poor data quality at this position in the gnomAD database. This variant has not been reported in the literature in individuals affected with GATA5-related conditions. ClinVar contains an entry for this variant (Variation ID: 2201226). Invitae Evidence Modeling of protein sequence and biophysical properties (such as structural, functional, and spatial information, amino acid conservation, physicochemical variation, residue mobility, and thermodynamic stability) indicates that this missense variant is expected to disrupt GATA5 protein function with a positive predictive value of 80%. In summary, the available evidence is currently insufficient to determine the role of this variant in disease. Therefore, it has been classified as a Variant of Uncertain Significance.